The following is an entry in ClinVar:

ClinVar aggregate classification (germline): Likely pathogenic (1 of 4 stars; one submission).

Conditions:
MHC class II deficiency. Also called: BLS, TYPE II; Bare lymphocyte syndrome 2. Identifiers: Orphanet 572, MedGen C5447452, MONDO:0008855.

Submission:

Natera, Inc.
Classification: Likely pathogenic for Bare lymphocyte syndrome type II. Last evaluated: 2026-01-28. Review status: criteria provided, single submitter. Criteria: Natera Variant Classification Schema (03/2026). Collection method: clinical testing. Allele origin: germline.
Comment: The c.281del variant in CIITA is a frameshift variant predicted to shift the reading frame beginning at codon 94 and leads to a stop codon 21 codons downstream. This variant is expected to result in nonsense mediated decay, truncation, or a dysfunctional protein product. This variant is rare in the general population with a frequency below the threshold expected for the associated phenotype(s). Given the available evidence, this variant is classified as Likely Pathogenic.

NM_000246.4(CIITA):c.281del (p.Ala94fs)

Gene: CIITA (class II major histocompatibility complex transactivator; plus strand). Cytogenetic location: 16p13.13.
Variant type: Deletion.
Coding change: c.281del on transcript NM_000246.4 (MANE Select); coding-DNA position 281, one base deleted (C; older notation c.281delC).
Protein change: p.Ala94fs; shifts the reading frame from alanine 94.
Molecular consequence: frameshift variant. On other transcripts: non-coding transcript variant (1).
Genome position (GRCh38, 1-based): chr16:10,895,750, C deleted. VCF-style (leftmost placement, unchanged base first): chr16-10895749-GC-G. GRCh37 (hg19) VCF-style: chr16-10989606-GC-G.
Other names: c.281del, p.Ala94fs (NM_001379331.1, NM_001379332.1, NM_001379333.1 and 3 more transcripts); c.209del, p.Ala70fs (NM_001379334.1); c.281delC, p.Ala94Valfs (NM_000246.3); short protein forms A70fs, A94fs.
Identifiers: ClinVar variation 4817975 (VCV004817975.1).